The following is an entry in ClinVar:

NM_002470.4(MYH3):c.2473G>A (p.Val825Ile)

Gene: MYH3 (myosin heavy chain 3; minus strand). Cytogenetic location: 17p13.1.
Variant type: single nucleotide variant.
Coding change: c.2473G>A on transcript NM_002470.4 (MANE Select); coding-DNA position 2473, G replaced by A.
Protein change: p.Val825Ile; replaces valine 825 with isoleucine.
Molecular consequence: missense variant.
Genome position (GRCh38, 1-based): chr17:10,640,205, C>T on the plus strand (G>A on the coding strand, the complement: MYH3 is on the minus strand). VCF-style: chr17-10640205-C-T. GRCh37 (hg19) VCF-style: chr17-10543522-C-T.
Other names: short protein forms V825I.
Identifiers: ClinVar variation 982993 (VCV000982993.5), dbSNP rs1303823400, ClinGen allele CA398163022.
Genomic context (GRCh38, chr17:10,640,205, plus strand): 5'-CTGCACTCTTGAGGAGGGGCTTGATCTTGAAGAAGAGTTTCATCCAGGGCCAGTGCTTGA[C>T]GTTCATGAATGAGCGAATGTTGTACTGGATGCAGAAGATGGACTCCCTAAAAACAAGACA-3'
Protein context (NP_002461.2, residues 815-835): IQYNIRSFMN[Val825Ile]KHWPWMKLFF

ClinVar aggregate classification (germline): Uncertain significance. Review status: criteria provided, multiple submitters, no conflicts (2 of 4 stars). 3 submissions from 3 submitters: Uncertain significance (3). Last evaluated 2024-03-11.

Conditions:
Inborn genetic diseases. Identifiers: MedGen C0950123, MeSH D030342.
Arthrogryposis, distal, type 2B3. Also called: Arthrogryposis, distal, type 2B3 (Sheldon-Hall). Identifiers: MedGen C5193098, MONDO:0032751, OMIM 618436.

Allele frequency attached by ClinVar (database versions not stated): gnomAD exomes below 0.00001; TOPMed below 0.00001; gnomAD 0.00001.
gnomAD v4.1: 5 of 1,614,094 alleles (0.00031%); highest among the groups gnomAD compares: Non-Finnish European, 0.00042%; no homozygotes.

Submissions (3):

Ambry Genetics
Classification: Uncertain significance for Inborn genetic diseases. Last evaluated: 2024-03-11. Review status: criteria provided, single submitter. Criteria: Ambry Variant Classification Scheme 2023. Collection method: clinical testing. Allele origin: germline.

Labcorp Genetics (formerly Invitae), Labcorp
Classification: Uncertain significance. Last evaluated: 2023-10-05. Review status: criteria provided, single submitter. Criteria: Invitae Variant Classification Sherloc (09022015). Collection method: clinical testing. Allele origin: germline.
Comment: This sequence change replaces valine, which is neutral and non-polar, with isoleucine, which is neutral and non-polar, at codon 825 of the MYH3 protein (p.Val825Ile). This variant is present in population databases (no rsID available, gnomAD 0.007%). This variant has not been reported in the literature in individuals affected with MYH3-related conditions. ClinVar contains an entry for this variant (Variation ID: 982993). Advanced modeling of protein sequence and biophysical properties (such as structural, functional, and spatial information, amino acid conservation, physicochemical variation, residue mobility, and thermodynamic stability) performed at Invitae indicates that this missense variant is not expected to disrupt MYH3 protein function. In summary, the available evidence is currently insufficient to determine the role of this variant in disease. Therefore, it has been classified as a Variant of Uncertain Significance.

Institute of Human Genetics, University of Leipzig Medical Center
Classification: Uncertain significance for Arthrogryposis, distal, type 2B3. Last evaluated: 2019-01-01. Review status: criteria provided, single submitter. Criteria: ACMG Guidelines, 2015. Collection method: clinical testing. Allele origin: unknown. Affected: yes.